The following is an entry in ClinVar:

NM_003954.5(MAP3K14):c.2437C>A (p.Pro813Thr)

Genes: MAP3K14 (mitogen-activated protein kinase kinase kinase 14; minus strand), MAP3K14-AS1 (MAP3K14 antisense RNA 1; plus strand), LOC126862575 (CDK7 strongly-dependent group 2 enhancer GRCh37_chr17:43344006-43345205; plus strand). Cytogenetic location: 17q21.31.
Variant type: single nucleotide variant.
Coding change: c.2437C>A on transcript NM_003954.5 (MANE Select); coding-DNA position 2437, C replaced by A.
Protein change: p.Pro813Thr; replaces proline 813 with threonine.
Molecular consequence: missense variant.
Genome position (GRCh38, 1-based): chr17:45,266,678, G>T on the plus strand (C>A on the coding strand, the complement: MAP3K14 is on the minus strand). VCF-style: chr17-45266678-G-T. GRCh37 (hg19) VCF-style: chr17-43344045-G-T.
Other names: short protein forms P813T.
Identifiers: ClinVar variation 2171574 (VCV002171574.1), dbSNP rs778135122, ClinGen allele CA8613870.

ClinVar aggregate classification (germline): Uncertain significance (1 of 4 stars; one submission).

Conditions:
NIK deficiency. Also called: Primary immunodeficiency with multifaceted aberrant lymphoid immunity. Identifiers: Orphanet 447731, MedGen C5680065, MONDO:0018642.

Allele frequency attached by ClinVar (database versions not stated): ExAC 0.00002; gnomAD 0.00002; TOPMed 0.00002.
gnomAD v4.1: 28 of 1,607,870 alleles (0.0017%); highest among the groups gnomAD compares: Non-Finnish European, 0.0024%; no homozygotes.

Submission:

Labcorp Genetics (formerly Invitae), Labcorp
Classification: Uncertain significance for NIK deficiency. Last evaluated: 2021-12-13. Review status: criteria provided, single submitter. Criteria: Invitae Variant Classification Sherloc (09022015). Collection method: clinical testing. Allele origin: germline.
Comment: This sequence change replaces proline, which is neutral and non-polar, with threonine, which is neutral and polar, at codon 813 of the MAP3K14 protein (p.Pro813Thr). The frequency data for this variant in the population databases is considered unreliable, as metrics indicate poor data quality at this position in the gnomAD database. This variant has not been reported in the literature in individuals affected with MAP3K14-related conditions. Experimental studies and prediction algorithms are not available or were not evaluated, and the functional significance of this variant is currently unknown. In summary, the available evidence is currently insufficient to determine the role of this variant in disease. Therefore, it has been classified as a Variant of Uncertain Significance.